The following is an entry in ClinVar:

NM_000218.3(KCNQ1):c.251C>G (p.Pro84Arg)

Gene: KCNQ1 (potassium voltage-gated channel subfamily Q member 1; plus strand). Cytogenetic location: 11p15.5.
Variant type: single nucleotide variant.
Coding change: c.251C>G on transcript NM_000218.3 (MANE Select); coding-DNA position 251, C replaced by G.
Protein change: p.Pro84Arg; replaces proline 84 with arginine.
Molecular consequence: missense variant.
Genome position (GRCh38, 1-based): chr11:2,445,349, C>G. VCF-style: chr11-2445349-C-G. GRCh37 (hg19) VCF-style: chr11-2466579-C-G.
Other names: p.P84R:CCG>CGG; short protein forms P84R.
Identifiers: ClinVar variation 200876 (VCV000200876.10), dbSNP rs794728551, ClinGen allele CA006752.
Genomic context (GRCh38, chr11:2,445,349, plus strand): 5'-CTGCGTCCCCGGCCGCGCCCGCCGCGCCCCCAGTTGCCTCCGACCTTGGCCCGCGGCCGC[C>G]GGTGAGCCTAGACCCGCGCGTCTCCATCTACAGCACGCGCCGCCCGGTGTTGGCGCGCAC-3'
Protein context (NP_000209.2, residues 74-94): PVASDLGPRP[Pro84Arg]VSLDPRVSIY

ClinVar aggregate classification (germline): Conflicting classifications of pathogenicity. Review status: criteria provided, conflicting classifications (1 of 4 stars). 3 submissions from 3 submitters: Uncertain significance (2); Likely benign (1). Last evaluated 2026-04-08.

Conditions:
Cardiovascular phenotype. Identifiers: MedGen CN230736.
Long QT syndrome (LQTS). Identifiers: MedGen C0023976, MeSH D008133, MONDO:0002442. Disease mechanism: loss of function. Inheritance: Various modes of inheritance.

Allele frequency attached by ClinVar (database versions not stated): gnomAD exomes below 0.00001.
gnomAD v4.1: 3 of 1,593,898 alleles (0.00019%); highest among the groups gnomAD compares: Admixed American, 0.0017%; no homozygotes.

Submissions (3):

Ambry Genetics
Classification: Likely benign for Cardiovascular phenotype. Last evaluated: 2026-04-08. Review status: criteria provided, single submitter. Criteria: Ambry Variant Classification Scheme 2023. Collection method: clinical testing. Allele origin: germline.

Labcorp Genetics (formerly Invitae), Labcorp
Classification: Uncertain significance for Long QT syndrome. Last evaluated: 2023-08-16. Review status: criteria provided, single submitter. Criteria: Invitae Variant Classification Sherloc (09022015). Collection method: clinical testing. Allele origin: germline.
Comment: This sequence change replaces proline, which is neutral and non-polar, with arginine, which is basic and polar, at codon 84 of the KCNQ1 protein (p.Pro84Arg). This variant is not present in population databases (gnomAD no frequency). This variant has not been reported in the literature in individuals affected with KCNQ1-related conditions. ClinVar contains an entry for this variant (Variation ID: 200876). Advanced modeling of protein sequence and biophysical properties (such as structural, functional, and spatial information, amino acid conservation, physicochemical variation, residue mobility, and thermodynamic stability) performed at Invitae indicates that this missense variant is not expected to disrupt KCNQ1 protein function. In summary, the available evidence is currently insufficient to determine the role of this variant in disease. Therefore, it has been classified as a Variant of Uncertain Significance.

GeneDx
Classification: Uncertain significance. Last evaluated: 2013-01-11. Review status: criteria provided, single submitter. Criteria: GeneDx Variant Classification (06012015). Collection method: clinical testing. Allele origin: germline. Affected: yes.
Comment: p.Pro84Arg (CCG>CGG): c.251 C>G in exon 1 of the KCNQ1gene (NM_000218.2). The Pro84Arg variant in the KCNQ1 gene has not been reported as a disease-causing mutation or as a benign polymorphism to our knowledge. Although Pro84Arg results in a non-conservative amino acid substitution of a non-polar, sterically-constrained Proline with a polar Arginine, this substitution occurs at a position that is not conserved across species. Consequently, in silico analysis predicts Pro84Arg to have a benign effect on the protein structure/function. However, nearby mutations (Pro73Thr and Thr96Arg) have been reported in association with LQTS supporting the functional importance of this region of the protein. Furthermore, Pro84Arg was not present in the 1000 Genomes database, and the NHLBI ESP Exome Variant Server reports Pro84Arg was not observed in approximately 6000 samples from individuals of European and African American backgrounds, indicating it is not a common benign variant in these populations. With the clinical and molecular information available at this time, we cannot definitively determine if Pro84Arg is a disease-causing mutation or a rare benign variant. The variant is found in POSTMORTEM panel(s).